The following is an entry in ClinVar:

ClinVar aggregate classification (germline): Uncertain significance. Review status: criteria provided, multiple submitters, no conflicts (2 of 4 stars). 2 submissions from 2 submitters: Uncertain significance (2). Last evaluated 2026-01-19.

Conditions:
Hereditary cancer-predisposing syndrome. Also called: Hereditary neoplastic syndrome; Neoplastic Syndromes, Hereditary; Tumor predisposition; Hereditary Cancer Syndrome. Identifiers: Orphanet 140162, MedGen C0027672, MeSH D009386, MONDO:0015356.
Microcephaly, normal intelligence and immunodeficiency (NBS). Also called: IMMUNODEFICIENCY, MICROCEPHALY, AND CHROMOSOMAL INSTABILITY; SEEMANOVA SYNDROME II; Nijmegen breakage syndrome; Microcephaly with normal intelligence immunodeficiency and lymphoreticular malignancies; Nonsyndromal microcephaly autosomal recessive with normal intelligence; Seemanova syndrome 2. Identifiers: Orphanet 647, MedGen C0398791, MONDO:0009623, OMIM 251260.

Submissions (2):

Labcorp Genetics (formerly Invitae), Labcorp
Classification: Uncertain significance for Microcephaly, normal intelligence and immunodeficiency. Last evaluated: 2026-01-19. Review status: criteria provided, single submitter. Criteria: Invitae Variant Classification Sherloc (09022015). Collection method: clinical testing. Allele origin: germline.
Comment: This sequence change replaces aspartic acid, which is acidic and polar, with tyrosine, which is neutral and polar, at codon 95 of the NBN protein (p.Asp95Tyr). This variant is not present in population databases (gnomAD no frequency). This variant has not been reported in the literature in individuals affected with NBN-related conditions. ClinVar contains an entry for this variant (Variation ID: 480064). An algorithm developed to predict the effect of missense changes on protein structure and function (PolyPhen-2) suggests that this variant is likely to be disruptive. In summary, the available evidence is currently insufficient to determine the role of this variant in disease. Therefore, it has been classified as a Variant of Uncertain Significance.

Ambry Genetics
Classification: Uncertain significance for Hereditary cancer-predisposing syndrome. Last evaluated: 2024-12-12. Review status: criteria provided, single submitter. Criteria: Ambry Variant Classification Scheme 2023. Collection method: clinical testing. Allele origin: germline.
Comment: The p.D95Y variant (also known as c.283G>T), located in coding exon 3 of the NBN gene, results from a G to T substitution at nucleotide position 283. The aspartic acid at codon 95 is replaced by tyrosine, an amino acid with highly dissimilar properties. This amino acid position is highly conserved in available vertebrate species. In addition, this alteration is predicted to be deleterious by in silico analysis. Since supporting evidence is limited at this time, the clinical significance of this alteration remains unclear.

NM_002485.5(NBN):c.283G>T (p.Asp95Tyr)

Gene: NBN (nibrin; minus strand). Cytogenetic location: 8q21.3.
Variant type: single nucleotide variant.
Coding change: c.283G>T on transcript NM_002485.5 (MANE Select); coding-DNA position 283, G replaced by T.
Protein change: p.Asp95Tyr; replaces aspartic acid 95 with tyrosine.
Molecular consequence: missense variant.
Genome position (GRCh38, 1-based): chr8:89,981,412, C>A on the plus strand (G>T on the coding strand, the complement: NBN is on the minus strand). VCF-style: chr8-89981412-C-A. GRCh37 (hg19) VCF-style: chr8-90993640-C-A.
Other names: c.37G>T, p.Asp13Tyr (NM_001024688.3); short protein forms D95Y, D13Y.
Identifiers: ClinVar variation 480064 (VCV000480064.7), dbSNP rs61753720, ClinGen allele CA371662411.